The following is an entry in ClinVar:

ClinVar aggregate classification (germline): Uncertain significance (1 of 4 stars; one submission).

Conditions:
Autosomal recessive limb-girdle muscular dystrophy type 2D (LGMDR3). Also called: MUSCULAR DYSTROPHY, LIMB-GIRDLE, AUTOSOMAL RECESSIVE 3; DUCHENNE-LIKE AUTOSOMAL RECESSIVE MUSCULAR DYSTROPHY, TYPE 2; ADHALINOPATHY, PRIMARY. Identifiers: Orphanet 62, MedGen C2936332, MONDO:0011968, OMIM 608099. Disease mechanism: Affects gamma-sarcoglycan and also disrupts the integrity of the entire sarcoglycan complex..

Submission:

Diagnostics Services (NGS), CSIR - Centre For Cellular And Molecular Biology
Classification: Uncertain significance for Autosomal recessive limb-girdle muscular dystrophy type 2D. Last evaluated: 2025-09-19. Review status: criteria provided, single submitter. Criteria: ACMG Guidelines, 2015. Collection method: clinical testing. Allele origin: germline. Affected: yes. Observed: 1 variant allele, 1 homozygote.
Comment: The c.718T>A variant is not present in 1000 Genomes, EVS, gnomAD, Indian Exome Database or our internal database. The variant has neither been published in the literature for SGCA-related conditions nor reported to clinical databases like Human Genome Mutation database (HGMD), OMIM, or ClinVar in any affected individuals. In-silico pathogenicity prediction programs like Polyphen-2, MutationTaster2, CADD, Franklin etc predicted this variant to be likely deleterious however these predictions were not confirmed by published functional studies. A different amino acid change in the same codon (Phe240Val) has been previously observed in patient(s) affected with muscular dystrophy [PMID: 27363342].

Literature cited by the submitters: PubMed 27363342.

NM_000023.4(SGCA):c.718T>A (p.Phe240Ile)

Gene: SGCA (sarcoglycan alpha; plus strand). Cytogenetic location: 17q21.33.
Variant type: single nucleotide variant.
Coding change: c.718T>A on transcript NM_000023.4 (MANE Select); coding-DNA position 718, T replaced by A.
Protein change: p.Phe240Ile; replaces phenylalanine 240 with isoleucine.
Molecular consequence: missense variant. On other transcripts: non-coding transcript variant (1), intron variant (1).
Genome position (GRCh38, 1-based): chr17:50,169,225, T>A. VCF-style: chr17-50169225-T-A. GRCh37 (hg19) VCF-style: chr17-48246586-T-A.
Other names: c.584+653T>A (NM_001135697.3); short protein forms F240I.
Identifiers: ClinVar variation 4279610 (VCV004279610.1).
Genomic context (GRCh38, chr17:50,169,225, plus strand): 5'-GCCCGCTGTGCCCAGGGCCAGCCTCCACTTCTGTCTTGCTACGACACCTTGGCACCCCAC[T>A]TCCGCGTTGACTGGTGCAATGTGACCCTGGTGAGGAGGGACCCTGGGTCCGGGGGTGGGG-3'
Protein context (NP_000014.1, residues 230-250): LSCYDTLAPH[Phe240Ile]RVDWCNVTLV